The following is an entry in ClinVar:

NM_000587.4(C7):c.1329G>C (p.Trp443Cys)

Gene: C7 (complement C7; plus strand). Cytogenetic location: 5p13.1.
Variant type: single nucleotide variant.
Coding change: c.1329G>C on transcript NM_000587.4 (MANE Select); coding-DNA position 1329, G replaced by C.
Protein change: p.Trp443Cys; replaces tryptophan 443 with cysteine.
Molecular consequence: missense variant.
Genome position (GRCh38, 1-based): chr5:40,958,101, G>C. VCF-style: chr5-40958101-G-C. GRCh37 (hg19) VCF-style: chr5-40958203-G-C.
Other names: short protein forms W443C.
Identifiers: ClinVar variation 4772442 (VCV004772442.1).
Genomic context (GRCh38, chr5:40,958,101, plus strand): 5'-TTTATATGAGCTGGTAAAGGAAGTACCTTGTGCCTCTGTGAAAAAACTATACCTGAAATG[G>C]GCTCTTGAAGAGTATCTGGATGAATTTGACCCCTGTCATTGCCGGCCTTGTCAAAATGGT-3'
Protein context (NP_000578.2, residues 433-453): CASVKKLYLK[Trp443Cys]ALEEYLDEFD

ClinVar aggregate classification (germline): Uncertain significance (1 of 4 stars; one submission).

Submission:

Labcorp Genetics (formerly Invitae), Labcorp
Classification: Uncertain significance. Last evaluated: 2025-08-06. Review status: criteria provided, single submitter. Criteria: Invitae Variant Classification Sherloc (09022015). Collection method: clinical testing. Allele origin: germline.
Comment: This sequence change replaces tryptophan, which is neutral and slightly polar, with cysteine, which is neutral and slightly polar, at codon 443 of the C7 protein (p.Trp443Cys). This variant is present in population databases (no rsID available, gnomAD 0.0009%). This variant has not been reported in the literature in individuals affected with C7-related conditions. Invitae Evidence Modeling of protein sequence and biophysical properties (such as structural, functional, and spatial information, amino acid conservation, physicochemical variation, residue mobility, and thermodynamic stability) indicates that this missense variant is not expected to disrupt C7 protein function with a negative predictive value of 80%. In summary, the available evidence is currently insufficient to determine the role of this variant in disease. Therefore, it has been classified as a Variant of Uncertain Significance.